The following is an entry in ClinVar:

ClinVar aggregate classification (germline): Uncertain significance (1 of 4 stars; one submission).

Allele frequency attached by ClinVar (database versions not stated): gnomAD exomes below 0.00001; ExAC 0.00001.
gnomAD v4.1: 4 of 1,614,268 alleles (0.00025%); highest among the groups gnomAD compares: East Asian, 0.0022%; no homozygotes.

Submission:

Labcorp Genetics (formerly Invitae), Labcorp
Classification: Uncertain significance. Last evaluated: 2022-02-15. Review status: criteria provided, single submitter. Criteria: Invitae Variant Classification Sherloc (09022015). Collection method: clinical testing. Allele origin: germline.
Comment: This variant has not been reported in the literature in individuals affected with CNGB1-related conditions. This variant is present in population databases (rs775599315, gnomAD 0.006%). This sequence change replaces valine, which is neutral and non-polar, with isoleucine, which is neutral and non-polar, at codon 330 of the CNGB1 protein (p.Val330Ile). Advanced modeling of protein sequence and biophysical properties (such as structural, functional, and spatial information, amino acid conservation, physicochemical variation, residue mobility, and thermodynamic stability) performed at Invitae indicates that this missense variant is not expected to disrupt CNGB1 protein function. In summary, the available evidence is currently insufficient to determine the role of this variant in disease. Therefore, it has been classified as a Variant of Uncertain Significance. Algorithms developed to predict the effect of sequence changes on RNA splicing suggest that this variant may create or strengthen a splice site.

NM_001297.5(CNGB1):c.988G>A (p.Val330Ile)

Gene: CNGB1 (cyclic nucleotide gated channel subunit beta 1; minus strand). Cytogenetic location: 16q21.
Variant type: single nucleotide variant.
Coding change: c.988G>A on transcript NM_001297.5 (MANE Select); coding-DNA position 988, G replaced by A.
Protein change: p.Val330Ile; replaces valine 330 with isoleucine.
Molecular consequence: missense variant.
Genome position (GRCh38, 1-based): chr16:57,950,427, C>T on the plus strand (G>A on the coding strand, the complement: CNGB1 is on the minus strand). VCF-style: chr16-57950427-C-T. GRCh37 (hg19) VCF-style: chr16-57984331-C-T.
Other names: c.970G>A, p.Val324Ile (NM_001286130.2); short protein forms V324I, V330I.
Identifiers: ClinVar variation 1934487 (VCV001934487.5), dbSNP rs775599315, ClinGen allele CA8083605.